The following is an entry in ClinVar:

NC_000016.10:g.(?_23603313)_(23608022_?)del

Gene: PALB2 (partner and localizer of BRCA2; minus strand). Cytogenetic location: 16p12.2.
Variant type: Deletion.
Identifiers: ClinVar variation 831170 (VCV000831170.6).

ClinVar aggregate classification (germline): Pathogenic (1 of 4 stars; one submission).

Conditions:
Familial cancer of breast. Also called: BREAST CANCER, FAMILIAL; Hereditary breast cancer; hereditary breast carcinoma. Identifiers: Orphanet 227535, MedGen C0346153, MONDO:0016419, OMIM 114480. Disease mechanism: loss of function.

Submission:

Labcorp Genetics (formerly Invitae), Labcorp
Classification: Pathogenic for Familial cancer of breast. Last evaluated: 2022-10-20. Review status: criteria provided, single submitter. Criteria: Invitae Variant Classification Sherloc (09022015). Collection method: clinical testing. Allele origin: germline.
Comment: This variant is a gross deletion of the genomic region encompassing exon(s) 12-13 of the PALB2 gene, which includes the termination codon. This deletion extends beyond the assayed region for this gene and therefore may encompass additional genes. While this deletion is not anticipated to lead to nonsense mediated decay, it is expected to alter mRNA translation or result in a truncated protein product. A similar copy number variant has been observed in individual(s) with breast and pancreatic cancer (PMID: 19635604). This deletion eliminates a portion of the WD40 functional domain, which is encoded by exons 7 to 13 of the PALB2 mRNA. The entire WD40 domain is known to be required for normal PALB2 protein function (PMID: 19423707, 16793542, 17200671). For these reasons, this variant has been classified as Pathogenic.

Literature cited by the submitters: PubMed 19635604; PubMed 19423707; PubMed 16793542; PubMed 17200671.